The following is an entry in ClinVar:

NM_172364.5(CACNA2D4):c.-91G>A

Gene: CACNA2D4 (calcium voltage-gated channel auxiliary subunit alpha2delta 4; minus strand). Cytogenetic location: 12p13.33.
Variant type: single nucleotide variant.
Coding change: c.-91G>A on transcript NM_172364.5 (MANE Select); 91 bases upstream of the start codon, G replaced by A.
Molecular consequence: 5 prime UTR variant.
Genome position (GRCh38, 1-based): chr12:1,918,564, C>T on the plus strand (G>A on the coding strand, the complement: CACNA2D4 is on the minus strand). VCF-style: chr12-1918564-C-T. GRCh37 (hg19) VCF-style: chr12-2027730-C-T.
Identifiers: ClinVar variation 307876 (VCV000307876.6), dbSNP rs76066543, ClinGen allele CA10632351.

ClinVar aggregate classification (germline): Benign. Review status: criteria provided, multiple submitters, no conflicts (2 of 4 stars). 2 submissions from 2 submitters: Benign (2). Last evaluated 2018-01-12.

Conditions:
Retinal cone dystrophy 4 (RCD4). Identifiers: Orphanet 1872, MedGen C1864849, MONDO:0012507, OMIM 610478.

Allele frequency attached by ClinVar (database versions not stated): gnomAD exomes 0.00292; gnomAD 0.01330 and 0.01383; 1000 Genomes Project 0.01538; TOPMed 0.01552; 1000 Genomes Project 30x 0.01608.
gnomAD v4.1: 4,477 of 990,334 alleles (0.45%); highest among the groups gnomAD compares: African/African-American, 4.1%; 81 homozygotes.

Submissions (2):

Illumina Laboratory Services, Illumina
Classification: Benign for Retinal cone dystrophy 4. Last evaluated: 2018-01-12. Review status: criteria provided, single submitter. Criteria: ICSL Variant Classification Criteria 13 December 2019. Collection method: clinical testing. Allele origin: germline.
Comment: This variant was observed in the ICSL laboratory as part of a predisposition screen in an ostensibly healthy population. It had not been previously curated by ICSL or reported in the Human Gene Mutation Database (HGMD: prior to June 1st, 2018), and was therefore a candidate for classification through an automated scoring system. Utilizing variant allele frequency, disease prevalence and penetrance estimates, and inheritance mode, an automated score was calculated to assess if this variant is too frequent to cause the disease. Based on the score and internal cut-off values, a variant classified as benign is not then subjected to further curation. The score for this variant resulted in a classification of benign for this disease.

Breakthrough Genomics
Classification: Benign. Review status: criteria provided, single submitter. Criteria: ACMG Guidelines, 2015. Collection method: not provided. Allele origin: germline. Inheritance: Autosomal recessive inheritance. Affected: yes.